The following is an entry in ClinVar:

NM_004456.5(EZH2):c.118A>G (p.Ser40Gly)

Gene: EZH2 (enhancer of zeste 2 polycomb repressive complex 2 subunit; minus strand). Cytogenetic location: 7q36.1.
Variant type: single nucleotide variant.
Coding change: c.118A>G on transcript NM_004456.5 (MANE Select); coding-DNA position 118, A replaced by G.
Protein change: p.Ser40Gly; replaces serine 40 with glycine.
Molecular consequence: missense variant.
Genome position (GRCh38, 1-based): chr7:148,846,598, T>C on the plus strand (A>G on the coding strand, the complement: EZH2 is on the minus strand). VCF-style: chr7-148846598-T-C. GRCh37 (hg19) VCF-style: chr7-148543690-T-C.
Other names: c.118A>G, p.Ser40Gly (NM_001203247.2, NM_001203248.2, NM_001203249.2 and 1 more transcripts); short protein forms S40G.
Identifiers: ClinVar variation 661065 (VCV000661065.9), dbSNP rs754403133, ClinGen allele CA4548204.

ClinVar aggregate classification (germline): Uncertain significance (1 of 4 stars; one submission).

Conditions:
Weaver syndrome (WVS). Also called: Weaver Smith syndrome; Overgrowth syndrome with accelerated skeletal maturation, unusual facies, and camptodactyly. Identifiers: Orphanet 3447, MedGen C0265210, MONDO:0010193, OMIM 277590.

Allele frequency attached by ClinVar (database versions not stated): gnomAD exomes below 0.00001 and 0.00002; ExAC 0.00003.
gnomAD v4.1: 6 of 1,517,714 alleles (0.0004%); highest among the groups gnomAD compares: South Asian, 0.0034%; no homozygotes.

Submission:

Labcorp Genetics (formerly Invitae), Labcorp
Classification: Uncertain significance for Weaver syndrome. Last evaluated: 2022-09-19. Review status: criteria provided, single submitter. Criteria: Invitae Variant Classification Sherloc (09022015). Collection method: clinical testing. Allele origin: germline.
Comment: In summary, the available evidence is currently insufficient to determine the role of this variant in disease. Therefore, it has been classified as a Variant of Uncertain Significance. Algorithms developed to predict the effect of sequence changes on RNA splicing suggest that this variant may create or strengthen a splice site. Algorithms developed to predict the effect of missense changes on protein structure and function (SIFT, PolyPhen-2, Align-GVGD) all suggest that this variant is likely to be tolerated. ClinVar contains an entry for this variant (Variation ID: 661065). This variant has not been reported in the literature in individuals affected with EZH2-related conditions. The frequency data for this variant in the population databases is considered unreliable, as metrics indicate poor data quality at this position in the gnomAD database. This sequence change replaces serine, which is neutral and polar, with glycine, which is neutral and non-polar, at codon 40 of the EZH2 protein (p.Ser40Gly).